The following is an entry in ClinVar:

ClinVar aggregate classification (germline): Conflicting classifications of pathogenicity. Review status: criteria provided, conflicting classifications (1 of 4 stars). 4 submissions from 4 submitters: Uncertain significance (1); Benign (1); Likely benign (2). Last evaluated 2026-01-22.

Conditions:
Pyridoxine-dependent epilepsy (EPEO4). Also called: Pyridoxine-Dependent Seizures; Pyridoxine-Dependent Epilepsy - ALDH7A1; PYRIDOXINE DEPENDENCY WITH SEIZURES; EPILEPSY, EARLY-ONSET, 4, VITAMIN B6-DEPENDENT. Identifiers: Orphanet 3006, MedGen C1849508, MONDO:0009945, OMIM 266100. Disease mechanism: loss of function.

Allele frequency attached by ClinVar (database versions not stated): ExAC 0.00007; gnomAD exomes 0.00012 and 0.00013; gnomAD 0.00015 and 0.00016; TOPMed 0.00021.
gnomAD v4.1: 217 of 1,603,580 alleles (0.014%); highest among the groups gnomAD compares: Admixed American, 0.033%; no homozygotes.

Submissions (4):

Labcorp Genetics (formerly Invitae), Labcorp
Classification: Likely benign for Pyridoxine-dependent epilepsy. Last evaluated: 2026-01-22. Review status: criteria provided, single submitter. Criteria: Invitae Variant Classification Sherloc (09022015). Collection method: clinical testing. Allele origin: germline.

Blueprint Genetics
Classification: Likely benign. Last evaluated: 2023-09-18. Review status: criteria provided, single submitter. Criteria: ACMG Guidelines, 2015. Collection method: clinical testing. Allele origin: germline.

Illumina Laboratory Services, Illumina
Classification: Uncertain significance for Pyridoxine-dependent epilepsy. Last evaluated: 2018-01-12. Review status: criteria provided, single submitter. Criteria: ICSL Variant Classification Criteria 13 December 2019. Collection method: clinical testing. Allele origin: germline.

GeneDx
Classification: Benign. Last evaluated: 2015-03-19. Review status: criteria provided, single submitter. Criteria: GeneDx Variant Classification (06012015). Collection method: clinical testing. Allele origin: germline. Affected: yes.
Comment: This variant is considered likely benign or benign based on one or more of the following criteria: it is a conservative change, it occurs at a poorly conserved position in the protein, it is predicted to be benign by multiple in silico algorithms, and/or has population frequency not consistent with disease.

NM_001182.5(ALDH7A1):c.393+15T>C

Gene: ALDH7A1 (aldehyde dehydrogenase 7 family member A1; minus strand). Cytogenetic location: 5q23.2.
Variant type: single nucleotide variant.
Coding change: c.393+15T>C on transcript NM_001182.5 (MANE Select); 15 bases into the intron after coding-DNA position 393, T replaced by C.
Molecular consequence: intron variant.
Genome position (GRCh38, 1-based): chr5:126,583,917, A>G on the plus strand (T>C on the coding strand, the complement: ALDH7A1 is on the minus strand). VCF-style: chr5-126583917-A-G. GRCh37 (hg19) VCF-style: chr5-125919609-A-G.
Other names: c.393+15T>C (NM_001202404.2); c.309+15T>C (NM_001201377.2).
Identifiers: ClinVar variation 377461 (VCV000377461.13), dbSNP rs183254966, ClinGen allele CA3389785.
Genomic context (GRCh38, chr5:126,583,917, plus strand): 5'-ATTTTATATATAGAAAAGCATGACAGCCTTATTGTCCACTCAAAGAATTGTGTATATACT[A>G]CAAAAATACTTTACCAAGCTTCCTAGTACTTGGATCTTCTCCCGCAAGGCATCGCCAATC-3'